The following is an entry in ClinVar:

NM_001146334.2(NACAD):c.1878G>C (p.Val626=)

Gene: NACAD (NAC alpha domain containing; minus strand). Cytogenetic location: 7p13.
Variant type: single nucleotide variant.
Coding change: c.1878G>C on transcript NM_001146334.2 (MANE Select); coding-DNA position 1878, G replaced by C.
Protein change: p.Val626=; no amino-acid change (valine 626 retained).
Molecular consequence: synonymous variant.
Genome position (GRCh38, 1-based): chr7:45,084,302, C>G on the plus strand (G>C on the coding strand, the complement: NACAD is on the minus strand). VCF-style: chr7-45084302-C-G. GRCh37 (hg19) VCF-style: chr7-45123901-C-G.
Identifiers: ClinVar variation 2657449 (VCV002657449.24), dbSNP rs752993846, ClinGen allele CA4247618.

ClinVar aggregate classification (germline): Likely benign (1 of 4 stars; one submission).

Allele frequency attached by ClinVar (database versions not stated): ExAC 0.00018.

Submission:

CeGaT Center for Human Genetics Tuebingen
Classification: Likely benign. Last evaluated: 2025-01-01. Review status: criteria provided, single submitter. Criteria: CeGaT Center For Human Genetics Tuebingen Variant Classification Criteria Version 2. Collection method: clinical testing. Allele origin: germline. Affected: yes. Observed: 2 variant alleles.
Comment: NACAD: BP4, BP7